The following is an entry in ClinVar:

NM_001034853.2(RPGR):c.154G>A (p.Gly52Arg)

Gene: RPGR (retinitis pigmentosa GTPase regulator; minus strand). Cytogenetic location: Xp11.4.
Variant type: single nucleotide variant.
Coding change: c.154G>A on transcript NM_001034853.2 (MANE Select); coding-DNA position 154, G replaced by A.
Protein change: p.Gly52Arg; replaces glycine 52 with arginine.
Molecular consequence: missense variant. On other transcripts: non-coding transcript variant (6).
Genome position (GRCh38, 1-based): chrX:38,323,399, C>T on the plus strand (G>A on the coding strand, the complement: RPGR is on the minus strand). VCF-style: chrX-38323399-C-T. GRCh37 (hg19) VCF-style: chrX-38182652-C-T.
Other names: NM_001034853.2(RPGR):c.154G>A; p.Gly52Arg; c.154G>A, p.Gly52Arg (NM_000328.3, NM_001367245.1, NM_001367246.1 and 4 more transcripts); c.184G>A, p.Gly62Arg (NM_001367248.1); short protein forms G52R, G62R.
Identifiers: ClinVar variation 593841 (VCV000593841.19), dbSNP rs281865296, ClinGen allele CA412745725.

ClinVar aggregate classification (germline): Pathogenic. Review status: reviewed by expert panel (3 of 4 stars). 9 submissions from 9 submitters: Pathogenic (1). 8 of the submissions do not count toward it. Last evaluated 2025-09-07.

Conditions:
Retinitis pigmentosa 3. Also called: CHOROIDORETINAL DEGENERATION WITH RETINAL REFLEX IN HETEROZYGOUS WOMEN. Identifiers: Orphanet 791, MedGen C1845667, MONDO:0010227, OMIM 300029.
RPGR-related disorder. Also called: RPGR-related condition.
RPGR-related retinopathy. Also called: RPGR retinopathy. Identifiers: MedGen CN305589, MONDO:0100437.
Primary ciliary dyskinesia. Also called: Ciliary dyskinesia. Identifiers: Orphanet 244, MedGen C0008780, MONDO:0016575, HP:0012265.
Retinal dystrophy. Also called: Inherited retinal dystrophy. Identifiers: Orphanet 71862, MedGen C0854723, MeSH D058499, MONDO:0019118, HP:0000556.

Submissions (11):

ClinGen X-linked Inherited Retinal Disease Variant Curation Expert Panel, ClinGen
Classification: Pathogenic for RPGR-related retinopathy. Last evaluated: 2025-09-07. Review status: reviewed by expert panel. Criteria: ClinGen X LinkedIRD ACMG Specifications RPGR V1.0.0. Collection method: curation. Allele origin: germline. Inheritance: X-linked inheritance.
Comment: NM_001034853.2(RPGR):c.154G>A (p.Gly52Arg) is an apparent missense variant encoding the substitution of glycine with arginine at amino acid 52, and is located in the final nucleotide of exon 2. The splicing impact predictor SpliceAI gives a score of 0.66 for splice donor loss, which is above the ClinGen X-linked IRD VCEP recommended threshold of ≥0.2 and predicts a damaging impact on splicing (PP3). This variant is absent from gnomAD v4.1.0 (PM2_Supporting). At least one proband harboring this variant exhibits a phenotype including diagnosis of retinitis pigmentosa with electroretinogram responses characteristic of rod-cone dystrophy (1 pt), genotyping by exome sequencing identifying no alternative basis for inherited retinal disease (2 pts), visual field changes (0.5 pts), and fundus abnormalities (0.5 pts), which together are specific for RPGR-related retinopathy (4 points, PMID: 33372982, PP4). The variant has been reported to segregate with retinal dystrophy through at least 4 affected meioses from 2 families (PP1_Strong; PMID: 22888088, DOI 10.1055/s-0044-1779398). This variant has been reported in at least 6 apparently unrelated probands meeting one of the PS4 requirements of some functional vision impairment in affected males by age 30 years, and/or decreased or absent electroretinogram responses (PMID: 16969763, PMID: 22888088, PMID: 35432464, PMID: 36445968, PMID: 28559085, DOI 10.1055/s-0044-1779398, PS4_Strong). Other publications have reported probands carrying this variant but did not meet the requirements for inclusion in the PS4 code (PMID: 34985506, PMID: 31213501, PMID: 37798099, PMID: 33372982). In summary, this variant is classified as pathogenic for RPGR-related retinopathy based on the ClinGen X-linked Inherited Retinal Disease Expert Panel Specifications to the ACMG/AMP Variant Interpretation Guidelines for RPGR Version 1.0.0; PM2_Supporting, PP3, PP4, PP1_Strong, and PS4.

3billion
Classification: Pathogenic for RPGR-related disorder. Last evaluated: 2026-01-06. Review status: criteria provided, single submitter. Criteria: ACMG Guidelines, 2015. Collection method: clinical testing. Allele origin: germline. Affected: yes. Not counted in ClinVar's aggregate classification.
Comment: The variant is not observed in the gnomAD v4.1.0 dataset. Predicted Consequence/Location: Missense variant. The majority of the known disease-causing variants of this gene are variants expected to result in premature termination of the protein. In silico tool predictions suggest damaging effect of the variant on gene or gene product [3Cnet: 0.99 (> 0.75, sensitivity 0.96 and precision 0.92)]. The same nucleotide change resulting in the same amino acid change has been previously reported as pathogenic/likely pathogenic with strong evidence (ClinVar ID: VCV000593841 /PMID: 15364249, 33372982 /3billion dataset). The variant has been observed in multiple (>3) similarly affected unrelated individuals (PMID: 16969763, 22888088, 28559085, 35432464, 36445968). The variant has been reported to co-segregate with the disease in at least 7 similarly affected relatives/individuals in at least two unrelated families (PMID: 22888088). Therefore, this variant is classified as Pathogenic according to the recommendation of ACMG/AMP guideline.

Labcorp Genetics (formerly Invitae), Labcorp
Classification: Pathogenic for Primary ciliary dyskinesia. Last evaluated: 2024-12-07. Review status: criteria provided, single submitter. Criteria: Invitae Variant Classification Sherloc (09022015). Collection method: clinical testing. Allele origin: germline. Not counted in ClinVar's aggregate classification.
Comment: This sequence change replaces glycine, which is neutral and non-polar, with arginine, which is basic and polar, at codon 52 of the RPGR protein (p.Gly52Arg). This variant also falls at the last nucleotide of exon 2, which is part of the consensus splice site for this exon. This variant is not present in population databases (gnomAD no frequency). This missense change has been observed in individual(s) with RPGR-related conditions (PMID: 22888088, 31054281, 33576794). It has also been observed to segregate with disease in related individuals. ClinVar contains an entry for this variant (Variation ID: 593841). An algorithm developed to predict the effect of missense changes on protein structure and function (PolyPhen-2) suggests that this variant is likely to be disruptive. Variants that disrupt the consensus splice site are a relatively common cause of aberrant splicing (PMID: 17576681, 9536098). Algorithms developed to predict the effect of sequence changes on RNA splicing suggest that this variant may disrupt the consensus splice site. For these reasons, this variant has been classified as Pathogenic.

Institute of Medical Genetics and Applied Genomics, University Hospital Tübingen
Classification: Likely pathogenic for Retinitis pigmentosa 3. Last evaluated: 2024-10-07. Review status: criteria provided, single submitter. Criteria: ACMG Guidelines, 2015. Collection method: clinical testing. Allele origin: germline. Inheritance: X-linked recessive inheritance. Affected: yes. Not counted in ClinVar's aggregate classification.

Institute of Immunology and Genetics Kaiserslautern
Classification: Pathogenic for Retinitis pigmentosa 3. Last evaluated: 2024-04-25. Review status: criteria provided, single submitter. Criteria: ACMG Guidelines, 2015. Collection method: clinical testing. Allele origin: maternal. Affected: yes. Not counted in ClinVar's aggregate classification.
Comment: ACMG Criteria: PM2, PVS1, PP5, PP4, PP3; Variant was found in hemizygous state

Dept Of Ophthalmology, Nagoya University
Classification: Uncertain significance for Retinal dystrophy. Last evaluated: 2023-10-01. Review status: criteria provided, single submitter. Criteria: Submitter's publication. Collection method: research. Allele origin: germline. Affected: yes. Not counted in ClinVar's aggregate classification.

Blueprint Genetics
Classification: Pathogenic for RPGR-related disorders. Last evaluated: 2022-10-18. Review status: criteria provided, single submitter. Criteria: ACMG Guidelines, 2015. Collection method: clinical testing. Allele origin: germline. Affected: yes. Observed: 5 variant alleles. Not counted in ClinVar's aggregate classification.

Eurofins Ntd Llc (ga)
Classification: Pathogenic. Last evaluated: 2017-09-07. Review status: criteria provided, single submitter. Criteria: EGL Classification Definitions 2015. Collection method: clinical testing. Allele origin: germline. Observed: 3 variant alleles, 3 hemizygotes. Not counted in ClinVar's aggregate classification.

Institute of Human Genetics, Univ. Regensburg, Univ. Regensburg
Classification: Pathogenic for Retinal dystrophy. Last evaluated: 2018-01-01. Review status: no assertion criteria provided. Criteria: ACMG Guidelines, 2015. Collection method: clinical testing. Allele origin: germline. Affected: yes. Not counted in ClinVar's aggregate classification.

Dr. Peter K. Rogan Lab, Western University
No classification provided (evidence only). Condition: Nonpapillary renal cell carcinoma. Review status: no classification provided. Collection method: in vitro. Allele origin: not applicable. Functional consequence: retained intron. Not counted in ClinVar's aggregate classification.

Dr. Peter K. Rogan Lab, Western University
No classification provided (evidence only). Condition: Nonpapillary renal cell carcinoma. Review status: no classification provided. Collection method: in vitro. Allele origin: not applicable. Functional consequence: retained intron. Not counted in ClinVar's aggregate classification.

Literature cited by the submitters: PubMed 22888088 (cited by 3billion and Labcorp Genetics (formerly Invitae), Labcorp); PubMed 28559085 (cited by 3billion); PubMed 36445968 (cited by 3billion); PubMed 16969763 (cited by 3billion); PubMed 15364249 (cited by 3billion); PubMed 35432464 (cited by 3billion); PubMed 31054281 (cited by Labcorp Genetics (formerly Invitae), Labcorp); PubMed 33576794 (cited by Labcorp Genetics (formerly Invitae), Labcorp); PubMed 17576681 (cited by Labcorp Genetics (formerly Invitae), Labcorp); PubMed 9536098 (cited by Labcorp Genetics (formerly Invitae), Labcorp).